The following is an entry in ClinVar:

NM_001204403.2(ANK3):c.86G>A (p.Ser29Asn)

Gene: ANK3 (ankyrin 3; minus strand). Cytogenetic location: 10q21.2.
Variant type: single nucleotide variant.
Coding change: c.86G>A on transcript NM_001204403.2; coding-DNA position 86, G replaced by A.
Protein change: p.Ser29Asn; replaces serine 29 with asparagine.
Molecular consequence: missense variant.
Genome position (GRCh38, 1-based): chr10:60,615,196, C>T on the plus strand (G>A on the coding strand, the complement: ANK3 is on the minus strand). VCF-style: chr10-60615196-C-T. GRCh37 (hg19) VCF-style: chr10-62374954-C-T.
Other names: short protein forms S29N.
Identifiers: ClinVar variation 504348 (VCV000504348.26), dbSNP rs758576419, ClinGen allele CA5513581.

ClinVar aggregate classification (germline): Conflicting classifications of pathogenicity. Review status: criteria provided, conflicting classifications (1 of 4 stars). 2 submissions from 2 submitters: Uncertain significance (1); Likely benign (1). Last evaluated 2026-08-22.

Allele frequency attached by ClinVar (database versions not stated): TOPMed 0.00016; gnomAD 0.00020 and 0.00019; ExAC 0.00043; gnomAD exomes 0.00023 and 0.00016.

Submissions (2):

GeneDx
Classification: Uncertain significance. Last evaluated: 2026-08-22. Review status: criteria provided, single submitter. Criteria: GeneDx Variant Classification Process June 2021. Collection method: clinical testing. Allele origin: germline.
Comment: In silico analysis suggests that this missense variant does not alter protein structure/function; Has not been previously published as pathogenic or benign to our knowledge; Reported using an alternate transcript of the gene

CeGaT Center for Human Genetics Tuebingen
Classification: Likely benign. Last evaluated: 2025-03-01. Review status: criteria provided, single submitter. Criteria: CeGaT Center For Human Genetics Tuebingen Variant Classification Criteria Version 2. Collection method: clinical testing. Allele origin: germline. Affected: yes. Observed: 3 variant alleles.
Comment: ANK3: BP4